The following is an entry in ClinVar:

NM_000321.3(RB1):c.100G>T (p.Glu34Ter)

Gene: RB1 (RB transcriptional corepressor 1; plus strand). Cytogenetic location: 13q14.2.
Variant type: single nucleotide variant.
Coding change: c.100G>T on transcript NM_000321.3 (MANE Select); coding-DNA position 100, G replaced by T.
Protein change: p.Glu34Ter; replaces glutamic acid 34 with a stop codon.
Molecular consequence: nonsense.
Genome position (GRCh38, 1-based): chr13:48,304,012, G>T. VCF-style: chr13-48304012-G-T. GRCh37 (hg19) VCF-style: chr13-48878148-G-T.
Other names: short protein forms E34*.
Identifiers: ClinVar variation 1072961 (VCV001072961.9), dbSNP rs2138027798, ClinGen allele CA388250326.

ClinVar aggregate classification (germline): Pathogenic (1 of 4 stars; one submission).

Conditions:
Retinoblastoma (RB1). Also called: RETINOBLASTOMA, SOMATIC. Identifiers: Orphanet 790, MedGen C0035335, MeSH D012175, MONDO:0008380, OMIM 180200, HP:0009919. Disease mechanism: loss of function. Inheritance: Both sporadic and heritable forms are tested..

Submission:

Labcorp Genetics (formerly Invitae), Labcorp
Classification: Pathogenic for Retinoblastoma. Last evaluated: 2020-10-05. Review status: criteria provided, single submitter. Criteria: Invitae Variant Classification Sherloc (09022015). Collection method: clinical testing. Allele origin: germline.
Comment: For these reasons, this variant has been classified as Pathogenic. This sequence change creates a premature translational stop signal (p.Glu34*) in the RB1 gene. It is expected to result in an absent or disrupted protein product. The frequency data for this variant in the population databases is considered unreliable, as metrics indicate insufficient coverage at this position in the ExAC database. This variant has been reported in individuals in the Leiden Open-source Variation Database (PMID: 21520333). Loss-of-function variants in RB1 are known to be pathogenic (PMID: 17096365).

Literature cited by the submitters: PubMed 21520333; PubMed 17096365.